The following is an entry in ClinVar:

NM_000260.4(MYO7A):c.5786A>G (p.Gln1929Arg)

Gene: MYO7A (myosin VIIA; plus strand). Cytogenetic location: 11q13.5.
Variant type: single nucleotide variant.
Coding change: c.5786A>G on transcript NM_000260.4 (MANE Select); coding-DNA position 5786, A replaced by G.
Protein change: p.Gln1929Arg; replaces glutamine 1929 with arginine.
Molecular consequence: missense variant.
Genome position (GRCh38, 1-based): chr11:77,207,332, A>G. VCF-style: chr11-77207332-A-G. GRCh37 (hg19) VCF-style: chr11-76918377-A-G.
Other names: c.5672A>G, p.Gln1891Arg (NM_001127180.2); c.5639A>G, p.Gln1880Arg (NM_001369365.1); short protein forms Q1880R, Q1891R, Q1929R.
Identifiers: ClinVar variation 1065043 (VCV001065043.6), dbSNP rs748331176, ClinGen allele CA6198833.

ClinVar aggregate classification (germline): Uncertain significance. Review status: criteria provided, multiple submitters, no conflicts (2 of 4 stars). 3 submissions from 3 submitters: Uncertain significance (3). Last evaluated 2025-01-29.

Conditions:
Hearing impairment. Also called: Impaired Hearing. Identifiers: MedGen C1384666, MONDO:0005365, HP:0000365.

Allele frequency attached by ClinVar (database versions not stated): gnomAD exomes below 0.00001 and 0.00001; ExAC 0.00001; gnomAD 0.00001; TOPMed 0.00001.
gnomAD v4.1: 18 of 1,612,694 alleles (0.0011%); highest among the groups gnomAD compares: Non-Finnish European, 0.0014%; no homozygotes.

Submissions (3):

Labcorp Genetics (formerly Invitae), Labcorp
Classification: Uncertain significance. Last evaluated: 2025-01-29. Review status: criteria provided, single submitter. Criteria: Invitae Variant Classification Sherloc (09022015). Collection method: clinical testing. Allele origin: germline.
Comment: This sequence change replaces glutamine, which is neutral and polar, with arginine, which is basic and polar, at codon 1929 of the MYO7A protein (p.Gln1929Arg). This variant is not present in population databases (gnomAD no frequency). This variant has not been reported in the literature in individuals affected with MYO7A-related conditions. ClinVar contains an entry for this variant (Variation ID: 1065043). Invitae Evidence Modeling of protein sequence and biophysical properties (such as structural, functional, and spatial information, amino acid conservation, physicochemical variation, residue mobility, and thermodynamic stability) indicates that this missense variant is not expected to disrupt MYO7A protein function with a negative predictive value of 95%. In summary, the available evidence is currently insufficient to determine the role of this variant in disease. Therefore, it has been classified as a Variant of Uncertain Significance.

GeneDx
Classification: Uncertain significance. Last evaluated: 2024-04-19. Review status: criteria provided, single submitter. Criteria: GeneDx Variant Classification Process June 2021. Collection method: clinical testing. Allele origin: germline. Affected: yes.
Comment: Identified in a patient with hearing loss in published literature, however, potentially causative variants were also identified in other genes (PMID: 34753855); Not observed at significant frequency in large population cohorts (gnomAD); In silico analysis supports that this missense variant has a deleterious effect on protein structure/function; This variant is associated with the following publications: (PMID: 34753855)

Department of Otolaryngology – Head & Neck Surgery, Cochlear Implant Center
Classification: Uncertain significance for Hearing impairment. Last evaluated: 2021-04-12. Review status: criteria provided, single submitter. Criteria: ClinGen HL ACMG Specifications v1. Collection method: clinical testing. Allele origin: germline. Affected: yes.
Comment: PM1_Moderate, PM2_Moderate, BP4_Supporting